The following is an entry in ClinVar:

NM_017841.4(SDHAF2):c.387A>G (p.Pro129=)

Gene: SDHAF2 (succinate dehydrogenase complex assembly factor 2; plus strand). Cytogenetic location: 11q12.2.
Variant type: single nucleotide variant.
Coding change: c.387A>G on transcript NM_017841.4 (MANE Select); coding-DNA position 387, A replaced by G.
Protein change: p.Pro129=; no amino-acid change (proline 129 retained).
Molecular consequence: synonymous variant.
Genome position (GRCh38, 1-based): chr11:61,445,957, A>G. VCF-style: chr11-61445957-A-G. GRCh37 (hg19) VCF-style: chr11-61213429-A-G.
Identifiers: ClinVar variation 700766 (VCV000700766.17), dbSNP rs770383127, ClinGen allele CA059223.

ClinVar aggregate classification (germline): Benign/Likely benign. Review status: criteria provided, multiple submitters, no conflicts (2 of 4 stars). 5 submissions from 5 submitters: Benign (1); Likely benign (4). Last evaluated 2026-08-05.

Conditions:
Hereditary cancer-predisposing syndrome. Also called: Hereditary neoplastic syndrome; Neoplastic Syndromes, Hereditary; Tumor predisposition; Hereditary Cancer Syndrome. Identifiers: Orphanet 140162, MedGen C0027672, MeSH D009386, MONDO:0015356.
Hereditary pheochromocytoma and paraganglioma. Also called: Hereditary pheochromocytoma-paraganglioma; Hereditary paragangliomas and pheochromocytomas; Hereditary Paraganglioma-Pheochromocytoma Syndromes. Identifiers: Orphanet 29072, MedGen C4274332, MONDO:0017366.
Pheochromocytoma/paraganglioma syndrome 2. Also called: SDHAF2-Related Hereditary Paraganglioma-Pheochromocytoma Syndrome (Paragangliomas 2); SDHAF2-Related Hereditary Paraganglioma-Pheochromocytoma Syndrome; GLOMUS TUMORS, FAMILIAL, 2; Paragangliomas 2. Identifiers: Orphanet 29072, MedGen C1866552, MONDO:0011121, OMIM 601650.

Allele frequency attached by ClinVar (database versions not stated): TOPMed 0.00001; gnomAD exomes 0.00002 and 0.00001; ExAC 0.00001.
gnomAD v4.1: 29 of 1,614,216 alleles (0.0018%); highest among the groups gnomAD compares: Non-Finnish European, 0.0025%; no homozygotes.

Submissions (5):

Myriad Genetics, Inc.
Classification: Benign for Pheochromocytoma/paraganglioma syndrome 2. Last evaluated: 2026-08-05. Review status: criteria provided, single submitter. Criteria: Myriad Autosomal Dominant, Autosomal Recessive and X-Linked Classification Criteria (2023). Collection method: clinical testing. Allele origin: unknown.
Comment: This variant is considered benign. This variant is a silent/synonymous amino acid change and it is not expected to impact splicing.

Labcorp Genetics (formerly Invitae), Labcorp
Classification: Likely benign for Hereditary pheochromocytoma and paraganglioma. Last evaluated: 2025-12-08. Review status: criteria provided, single submitter. Criteria: Invitae Variant Classification Sherloc (09022015). Collection method: clinical testing. Allele origin: germline.

Color Diagnostics, LLC DBA Color Health
Classification: Likely benign for Hereditary pheochromocytoma and paraganglioma. Last evaluated: 2023-06-07. Review status: criteria provided, single submitter. Criteria: ACMG Guidelines, 2015. Collection method: clinical testing. Allele origin: germline.

Sema4
Classification: Likely benign for Hereditary cancer-predisposing syndrome. Last evaluated: 2021-04-12. Review status: criteria provided, single submitter. Criteria: Sema4 Curation Guidelines. Collection method: curation. Allele origin: germline.

Ambry Genetics
Classification: Likely benign for Hereditary cancer-predisposing syndrome. Last evaluated: 2017-11-10. Review status: criteria provided, single submitter. Criteria: Ambry Variant Classification Scheme 2023. Collection method: clinical testing. Allele origin: germline.